The following is an entry in ClinVar:

ClinVar aggregate classification (germline): Uncertain significance (1 of 4 stars; one submission).

Conditions:
Duchenne muscular dystrophy (DMD). Also called: MUSCULAR DYSTROPHY, PSEUDOHYPERTROPHIC PROGRESSIVE, DUCHENNE TYPE; Duchenne Muscular Dystrophy (DMD). Identifiers: Orphanet 98896, MedGen C0013264, MONDO:0010679, OMIM 310200.

Submission:

Labcorp Genetics (formerly Invitae), Labcorp
Classification: Uncertain significance for Duchenne muscular dystrophy. Last evaluated: 2023-04-07. Review status: criteria provided, single submitter. Criteria: Invitae Variant Classification Sherloc (09022015). Collection method: clinical testing. Allele origin: germline.
Comment: This variant has not been reported in the literature in individuals affected with DMD-related conditions. This sequence change replaces proline, which is neutral and non-polar, with arginine, which is basic and polar, at codon 481 of the DMD protein (p.Pro481Arg). This variant is not present in population databases (gnomAD no frequency). Advanced modeling of protein sequence and biophysical properties (such as structural, functional, and spatial information, amino acid conservation, physicochemical variation, residue mobility, and thermodynamic stability) performed at Invitae indicates that this missense variant is not expected to disrupt DMD protein function. In summary, the available evidence is currently insufficient to determine the role of this variant in disease. Therefore, it has been classified as a Variant of Uncertain Significance.

NM_004006.3(DMD):c.1442C>G (p.Pro481Arg)

Gene: DMD (dystrophin; minus strand). Cytogenetic location: Xp21.1.
Variant type: single nucleotide variant.
Coding change: c.1442C>G on transcript NM_004006.3 (MANE Select); coding-DNA position 1442, C replaced by G.
Protein change: p.Pro481Arg; replaces proline 481 with arginine.
Molecular consequence: missense variant.
Genome position (GRCh38, 1-based): chrX:32,614,343, G>C on the plus strand (C>G on the coding strand, the complement: DMD is on the minus strand). VCF-style: chrX-32614343-G-C. GRCh37 (hg19) VCF-style: chrX-32632460-G-C.
Other names: c.1418C>G, p.Pro473Arg (NM_000109.4); c.1430C>G, p.Pro477Arg (NM_004009.3); c.1073C>G, p.Pro358Arg (NM_004010.3); short protein forms P477R, P358R, P473R, P481R.
Identifiers: ClinVar variation 2813499 (VCV002813499.3), dbSNP rs1203696293, ClinGen allele CA412669870.